The following is an entry in ClinVar:

NM_000152.5(GAA):c.1326+1G>A

Gene: GAA (alpha glucosidase; plus strand). Cytogenetic location: 17q25.3.
Variant type: single nucleotide variant.
Coding change: c.1326+1G>A on transcript NM_000152.5 (MANE Select); the canonical splice donor site of the intron after coding-DNA position 1326, G replaced by A.
Molecular consequence: splice donor variant.
Genome position (GRCh38, 1-based): chr17:80,108,829, G>A. VCF-style: chr17-80108829-G-A. GRCh37 (hg19) VCF-style: chr17-78082628-G-A.
Other names: c.1326+1G>A (NM_001406741.1, NM_001406742.1, NM_001079803.3 and 1 more transcripts).
Identifiers: ClinVar variation 597944 (VCV000597944.15), dbSNP rs1205507761, ClinGen allele CA401365436.
Genomic context (GRCh38, chr17:80,108,829, plus strand): 5'-GACTTCCCGGCCATGGTGCAGGAGCTGCACCAGGGCGGCCGGCGCTACATGATGATCGTG[G>A]TGTGTGCCCCCACACTGTGGGTCTTTGGGAAGGGGGCCGCCCGGTGCCCAGTGGCTCCTT-3'

ClinVar aggregate classification (germline): Pathogenic. Review status: reviewed by expert panel (3 of 4 stars). 8 submissions from 8 submitters: Pathogenic (1). 7 of the submissions do not count toward it. Last evaluated 2022-10-17.

Conditions:
Glycogen storage disease, type II (IOPD). Also called: POMPE DISEASE, INFANTILE-ONSET; GLYCOGEN STORAGE DISEASE II, INFANTILE-ONSET; ACID ALPHA-GLUCOSIDASE DEFICIENCY, INFANTILE-ONSET; GAA DEFICIENCY, INFANTILE-ONSET; ACID MALTASE DEFICIENCY, INFANTILE-ONSET; CARDIOMEGALIA GLYCOGENICA DIFFUSA. Identifiers: Orphanet 365, MedGen C0017921, MONDO:0009290, OMIM 232300.

Allele frequency attached by ClinVar (database versions not stated): TOPMed below 0.00001; gnomAD 0.00003.
gnomAD v4.1: 1 of 1,588,312 alleles (0.000063%); highest among the groups gnomAD compares: African/African-American, 0.0013%; no homozygotes.

Submissions (8):

ClinGen Lysosomal Storage Disorder Variant Curation Expert Panel
Classification: Pathogenic for Glycogen storage disease, type II. Last evaluated: 2022-10-17. Review status: reviewed by expert panel. Criteria: clingen_lsd_acmg_specifications_v2-1. Collection method: curation. Allele origin: germline. Inheritance: Autosomal recessive inheritance.
Comment: The NM_000152.5:c.1326+1G>A variant in GAA is a canonical splice site variant in the donor splice site of intron 8. RT-PCR evidence suggests that the variant results in nonsense-mediated decay (PMID: 10189220) (PVS1). Two African-American patients with infantile-onset Pompe disease have been reported with this variant. GAA activity is available for one of these patients and was 0.35% in fibroblasts (PMID: 10189220) (PP4_Moderate). These patients are compound heterozygous for the variant and either c.1441T>C (p.Trp481Arg) or c.1555A>G (p.Met519Val) (PMID: 10189220, 25256446). The allelic data from these patients will be used in the classification of the second variant and is not included here to avoid circular logic. Therefore, PM3 is not met at the current time. The highest population minor allele frequency in gnomAD v2.1.1 is 0.000114 (1/8708 alleles) in the African/ African American population, which is lower than the ClinGen LSD VCEP’s threshold for PM2_Supporting (<0.001), meeting this criterion (PM2_Supporting). There is ClinVar entry to this variant (Variant ID: 597944). In summary, this variant meets the criteria to be classified as Pathogenic for Pompe disease. GAA-specific ACMG/AMP criteria applied, as specified by ClinGen Lysosomal Storage Disorders Variant Curation Expert Panel (Specifications Version 2.0): PVS1, PP4_moderate, PM2_supporting. (Classification approved by the ClinGen LSD VCEP on October 17, 2022).

Genomenon, Inc
Classification: Pathogenic for Glycogen storage disease, type II. Last evaluated: 2026-07-01. Review status: criteria provided, single submitter. Criteria: Genomenon Sequence Variant Interpretation Standards - Updated. Collection method: curation. Allele origin: germline. Affected: yes. Not counted in ClinVar's aggregate classification.
Comment: GAA c.1326+1G>A is a canonical splice variant affecting the donor splice site of intron 8. It is predicted to affect mRNA splicing, leading to a deleterious effect on the GAA protein. This variant has been observed in at least one proband with a GAA-related disorder (PMID:10189220;25256446). Functional studies have been reported (PMID:10189220;25256446). It is absent or not present at a significant frequency in gnomAD. In conclusion, we classify GAA c.1326+1G>A as a pathogenic variant.

Labcorp Genetics (formerly Invitae), Labcorp
Classification: Pathogenic for Glycogen storage disease, type II. Last evaluated: 2025-06-24. Review status: criteria provided, single submitter. Criteria: Invitae Variant Classification Sherloc (09022015). Collection method: clinical testing. Allele origin: germline. Not counted in ClinVar's aggregate classification.
Comment: This sequence change affects a donor splice site in intron 8 of the GAA gene. It is expected to disrupt RNA splicing. Variants that disrupt the donor or acceptor splice site typically lead to a loss of protein function (PMID: 16199547), and loss-of-function variants in GAA are known to be pathogenic (PMID: 18425781, 22252923). This variant is present in population databases (no rsID available, gnomAD 0.01%). Disruption of this splice site has been observed in individuals with glycogen storage disease type II (PMID: 10189220). This variant is also known as IVS8 g+1a. ClinVar contains an entry for this variant (Variation ID: 597944). Algorithms developed to predict the effect of sequence changes on RNA splicing suggest that this variant may disrupt the consensus splice site. For these reasons, this variant has been classified as Pathogenic.

Women's Health and Genetics/Laboratory Corporation of America, LabCorp
Classification: Pathogenic for Glycogen storage disease, type II. Last evaluated: 2024-09-10. Review status: criteria provided, single submitter. Criteria: LabCorp Variant Classification Summary - May 2015. Collection method: clinical testing. Allele origin: germline. Not counted in ClinVar's aggregate classification.
Comment: Variant summary: GAA c.1326+1G>A (also described as IVS8 g+1a in the literature) is located in a canonical splice-site and is predicted to affect mRNA splicing resulting in a significantly altered protein due to either exon skipping, shortening, or inclusion of intronic material. Variants that disrupt the consensus splice site are a relatively common cause of aberrant splicing and loss of GAA function. Several computational tools predict a significant impact on normal splicing: Four predict the variant abolishes a 5' splicing donor site. At least one publication reports experimental evidence that this variant resuls in lack of mRNA from the mutant allele (Raben_1998). The variant was absent in 200502 control chromosomes (gnomAD). c.1326+1G>A has been reported in the literature in individuals affected with infantile onset glycogen storage disease, type 2 (Pompe Disease) (Raben_1998). These data indicate that the variant may be associated with disease. The following publication has been ascertained in the context of this evaluation (PMID: 10189220). ClinVar contains an entry for this variant (Variation ID: 597944). Based on the evidence outlined above, the variant was classified as pathogenic.

Revvity Omics, Revvity
Classification: Pathogenic. Last evaluated: 2023-12-07. Review status: criteria provided, single submitter. Criteria: ACMG Guidelines, 2015. Collection method: clinical testing. Allele origin: germline. Not counted in ClinVar's aggregate classification.

AiLife Diagnostics
Classification: Likely pathogenic. Last evaluated: 2022-01-18. Review status: criteria provided, single submitter. Criteria: ACMG Guidelines, 2015. Collection method: clinical testing. Allele origin: germline. Affected: yes. Observed: 2 variant alleles. Not counted in ClinVar's aggregate classification.

Broad Center for Mendelian Genomics, Broad Institute of MIT and Harvard
Classification: Uncertain significance for Glycogen storage disease, type II. Last evaluated: 2020-01-22. Review status: criteria provided, single submitter. Criteria: ACMG Guidelines, 2015. Collection method: curation. Allele origin: germline. Inheritance: Autosomal recessive inheritance. Not counted in ClinVar's aggregate classification.
Comment: The c.1326+1G>A variant in GAA has been reported in three individuals with glycogen storage disease II (PMID: 22644586, 10189220) and has been identified in 0.01% (1/8708) of African chromosomes by the Genome Aggregation Database (gnomAD; dbSNP rs1205507761). Although this variant has been seen in the general population, its frequency is low enough to be consistent with a recessive carrier frequency. This variant has also been reported in ClinVar as Pathogenic by EGL Genetic Diagnostics (VariationID: 597944). This variant occurs in the invariant region (+/- 1/2) of the splice consensus sequence and is predicted to cause altered splicing leading to an abnormal or absent protein. There is an in-frame cryptic splice site 6 bases from the intron-exon boundary, providing evidence that this variant may delete 2 amino acids instead of causing loss of function. However, this information is not predictive enough to determine pathogenicity. Loss of function of the GAA gene is an established disease mechanism in autosomal recessive glycogen storage disease II. The phenotype of an individual that is compound heterozygous for this variant is highly specific for glycogen storage disease II based on GAA enzyme activity in fibroblasts being <1% of wild type consistent with disease (PMID: 25256446). This variant has been seen in combination with the reported pathogenic variant p.Met519Val (PMID: 25256446) in individuals with glycogen storage disease II. In summary, while there is some suspicion for a pathogenic role, the clinical significance of this variant is uncertain. ACMG/AMP Criteria applied: PVS1_moderate, PM2, PP4 (Richards 2015).

Eurofins Ntd Llc (ga)
Classification: Pathogenic. Last evaluated: 2018-07-20. Review status: criteria provided, single submitter. Criteria: EGL ClinVar v180209 classification definitions. Collection method: clinical testing. Allele origin: germline. Observed: 2 variant alleles, 2 heterozygotes. Not counted in ClinVar's aggregate classification.

Literature cited by the submitters: PubMed 10189220 (cited by 4 submitters); PubMed 25256446 (cited by Genomenon, Inc); PubMed 16199547 (cited by Labcorp Genetics (formerly Invitae), Labcorp); PubMed 18425781 (cited by Labcorp Genetics (formerly Invitae), Labcorp); PubMed 22252923 (cited by Labcorp Genetics (formerly Invitae), Labcorp); PubMed 21228398 (cited by AiLife Diagnostics); PubMed 25525159 (cited by AiLife Diagnostics).